The following is an entry in ClinVar:

ClinVar aggregate classification (germline): Benign/Likely benign. Review status: criteria provided, multiple submitters, no conflicts (2 of 4 stars). 12 submissions from 12 submitters: Benign (7); Likely benign (3). 2 of the submissions do not count toward it. Last evaluated 2026-02-01.

Conditions:
Primary ciliary dyskinesia. Also called: Ciliary dyskinesia. Identifiers: Orphanet 244, MedGen C0008780, MONDO:0016575, HP:0012265.
Primary ciliary dyskinesia 3. Identifiers: Orphanet 244, MedGen C1837618, MONDO:0012085, OMIM 608644.

Allele frequency attached by ClinVar (database versions not stated): 1000 Genomes Project 30x 0.00656; 1000 Genomes Project 0.00679; gnomAD 0.00831; TOPMed 0.01161; ESP Exome Variant Server 0.01194.
gnomAD v4.1: 22,993 of 1,599,012 alleles (1.4%); highest among the groups gnomAD compares: Non-Finnish European, 1.7%; 186 homozygotes.

Submissions (17):

Labcorp Genetics (formerly Invitae), Labcorp
Classification: Benign for Primary ciliary dyskinesia. Last evaluated: 2026-02-01. Review status: criteria provided, single submitter. Criteria: Invitae Variant Classification Sherloc (09022015). Collection method: clinical testing. Allele origin: germline.

ARUP Laboratories, Molecular Genetics and Genomics, ARUP Laboratories
Classification: Benign for Primary ciliary dyskinesia 3. Last evaluated: 2025-05-07. Review status: criteria provided, single submitter. Criteria: ARUP Molecular Germline Variant Investigation Process 2024. Collection method: clinical testing. Allele origin: germline.

Mayo Clinic Laboratories, Mayo Clinic
Classification: Benign. Last evaluated: 2024-12-04. Review status: criteria provided, single submitter. Criteria: ACMG Guidelines, 2015. Collection method: clinical testing. Allele origin: germline. Observed: 6 variant alleles.
Comment: BS1, BS2, BP4_strong, PP3

Blueprint Genetics
Classification: Likely benign. Last evaluated: 2024-11-26. Review status: criteria provided, single submitter. Criteria: ACMG Guidelines, 2015. Collection method: clinical testing. Allele origin: germline.

GeneDx
Classification: Likely benign. Last evaluated: 2021-01-19. Review status: criteria provided, single submitter. Criteria: GeneDx Variant Classification Process June 2021. Collection method: clinical testing. Allele origin: germline. Affected: yes.

Illumina Laboratory Services, Illumina
Classification: Benign for Primary ciliary dyskinesia 3. Last evaluated: 2017-04-27. Review status: criteria provided, single submitter. Criteria: ICSL Variant Classification Criteria 13 December 2019. Collection method: clinical testing. Allele origin: germline.
Comment: This variant was observed as part of a predisposition screen in an ostensibly healthy population. A literature search was performed for the gene, cDNA change, and amino acid change (where applicable). Publications were found based on this search. The evidence from the literature, in combination with allele frequency data from public databases where available, was sufficient to rule this variant out of causing disease. Therefore, this variant is classified as benign.

Ambry Genetics
Classification: Benign for Primary ciliary dyskinesia. Last evaluated: 2014-12-11. Review status: criteria provided, single submitter. Criteria: Ambry Variant Classification Scheme 2023. Collection method: clinical testing. Allele origin: germline.

Laboratory for Molecular Medicine, Mass General Brigham Personalized Medicine
Classification: Benign. Last evaluated: 2013-02-21. Review status: criteria provided, single submitter. Criteria: LMM Criteria. Collection method: clinical testing. Allele origin: germline. Observed: 3 variant alleles.
Comment: Asn549Lys in exon 13 of DNAH5: This variant is not expected to have clinical sig nificance because it has been identified in 1.6% (136/8580) of European American chromosomes from a broad population by the NHLBI Exome Sequencing Project (dbSNP rs139160176).

Breakthrough Genomics
Classification: Likely benign. Review status: criteria provided, single submitter. Criteria: ACMG Guidelines, 2015. Collection method: not provided. Allele origin: germline. Inheritance: Autosomal recessive inheritance. Affected: yes.

PreventionGenetics, part of Exact Sciences
Classification: Benign. Review status: criteria provided, single submitter. Criteria: ACMG Guidelines, 2015. Collection method: clinical testing. Allele origin: germline.

Natera, Inc.
Classification: Benign for Primary ciliary dyskinesia. Last evaluated: 2020-09-16. Review status: no assertion criteria provided. Collection method: clinical testing. Allele origin: germline. Not counted in ClinVar's aggregate classification.

Counsyl
Classification: Likely benign for Primary ciliary dyskinesia 3. Last evaluated: 2017-03-06. Review status: no assertion criteria provided. Collection method: clinical testing. Allele origin: unknown. Not counted in ClinVar's aggregate classification.

Dr. Peter K. Rogan Lab, Western University
No classification provided (evidence only). Condition: Thyroid cancer, nonmedullary, 1. Review status: no classification provided. Collection method: in vitro. Allele origin: not applicable. Functional consequence: retained intron. Not counted in ClinVar's aggregate classification.

Dr. Peter K. Rogan Lab, Western University
No classification provided (evidence only). Condition: Uterine corpus endometrial carcinoma. Review status: no classification provided. Collection method: in vitro. Allele origin: not applicable. Functional consequence: retained intron. Not counted in ClinVar's aggregate classification.

Dr. Peter K. Rogan Lab, Western University
No classification provided (evidence only). Condition: Thymoma. Review status: no classification provided. Collection method: in vitro. Allele origin: not applicable. Functional consequence: retained intron. Not counted in ClinVar's aggregate classification.

Dr. Peter K. Rogan Lab, Western University
No classification provided (evidence only). Condition: Ovarian serous cystadenocarcinoma. Review status: no classification provided. Collection method: in vitro. Allele origin: not applicable. Functional consequence: retained intron. Not counted in ClinVar's aggregate classification.

Dr. Peter K. Rogan Lab, Western University
No classification provided (evidence only). Condition: Malignant tumor of esophagus. Review status: no classification provided. Collection method: in vitro. Allele origin: not applicable. Functional consequence: retained intron. Not counted in ClinVar's aggregate classification.

Literature cited by the submitters: PubMed 23477994 (cited by Illumina Laboratory Services, Illumina).

NM_001369.3(DNAH5):c.1647C>G (p.Asn549Lys)

Gene: DNAH5 (dynein axonemal heavy chain 5; minus strand). Cytogenetic location: 5p15.2.
Variant type: single nucleotide variant.
Coding change: c.1647C>G on transcript NM_001369.3 (MANE Select); coding-DNA position 1647, C replaced by G.
Protein change: p.Asn549Lys; replaces asparagine 549 with lysine.
Molecular consequence: missense variant.
Genome position (GRCh38, 1-based): chr5:13,902,136, G>C on the plus strand (C>G on the coding strand, the complement: DNAH5 is on the minus strand). VCF-style: chr5-13902136-G-C. GRCh37 (hg19) VCF-style: chr5-13902245-G-C.
Other names: short protein forms N549K.
Identifiers: ClinVar variation 178756 (VCV000178756.32), dbSNP rs139160176, ClinGen allele CA182947.